The following is an entry in ClinVar:

ClinVar aggregate classification (germline): Pathogenic (1 of 4 stars; one submission).

Submission:

GeneDx
Classification: Pathogenic. Last evaluated: 2025-11-29. Review status: criteria provided, single submitter. Criteria: GeneDx Variant Classification Process June 2021. Collection method: clinical testing. Allele origin: germline. Affected: yes.
Comment: In silico analysis supports that this missense variant has a deleterious effect on protein structure/function; Not observed at significant frequency in large population cohorts (gnomAD); Has not been previously published as pathogenic or benign to our knowledge; This variant is associated with the following publications: (PMID: 32570172, 23365099)

NM_001195553.2(DCX):c.667G>C (p.Gly223Arg)

Gene: DCX (doublecortin; minus strand). Cytogenetic location: Xq23.
Variant type: single nucleotide variant.
Coding change: c.667G>C on transcript NM_001195553.2 (MANE Select); coding-DNA position 667, G replaced by C.
Protein change: p.Gly223Arg; replaces glycine 223 with arginine.
Molecular consequence: missense variant.
Genome position (GRCh38, 1-based): chrX:111,401,028, C>G on the plus strand (G>C on the coding strand, the complement: DCX is on the minus strand). VCF-style: chrX-111401028-C-G. GRCh37 (hg19) VCF-style: chrX-110644256-C-G.
Other names: c.910G>C, p.Gly304Arg (NM_000555.3); c.667G>C, p.Gly223Arg (NM_001369370.1, NM_001369371.1, NM_001369372.1 and 5 more transcripts); short protein forms G223R, G304R.
Identifiers: ClinVar variation 422444 (VCV000422444.4), dbSNP rs587783577, ClinGen allele CA16621176.